The following is an entry in ClinVar:

ClinVar aggregate classification (germline): Uncertain significance (1 of 4 stars; one submission).

Submission:

Dasa
Classification: Uncertain significance. Last evaluated: 2025-12-05. Review status: criteria provided, single submitter. Criteria: DASA Assertion Criteria. Collection method: clinical testing. Allele origin: germline.
Comment: NM_001267594.2(SENP1):c.1729A>T (p.Lys577*) is a nonsense variant in SENP1 predicted to introduce a premature termination codon. This variant is absent from population databases. The currently available literature and clinical evidence are not sufficient to establish a definitive association between this variant and the reported condition. Therefore, this variant is classified as a variant of uncertain significance.

NM_001267594.2(SENP1):c.1729A>T (p.Lys577Ter)

Gene: SENP1 (SUMO specific peptidase 1; minus strand). Cytogenetic location: 12q13.11.
Variant type: single nucleotide variant.
Coding change: c.1729A>T on transcript NM_001267594.2 (MANE Select); coding-DNA position 1729, A replaced by T.
Protein change: p.Lys577Ter; replaces lysine 577 with a stop codon.
Molecular consequence: nonsense. On other transcripts: non-coding transcript variant (2).
Genome position (GRCh38, 1-based): chr12:48,047,025, T>A on the plus strand (A>T on the coding strand, the complement: SENP1 is on the minus strand). VCF-style: chr12-48047025-T-A. GRCh37 (hg19) VCF-style: chr12-48440808-T-A.
Other names: c.1729A>T, p.Lys577Ter (NM_001267595.2); short protein forms K577*.
Identifiers: ClinVar variation 5020769 (VCV005020769.1).